The following is an entry in ClinVar:

NM_206933.4(USH2A):c.2462T>C (p.Val821Ala)

Genes: USH2A (usherin; minus strand), LOC122152296 (Sharpr-MPRA regulatory region 8762; plus strand). Cytogenetic location: 1q41.
Variant type: single nucleotide variant.
Coding change: c.2462T>C on transcript NM_206933.4 (MANE Select); coding-DNA position 2462, T replaced by C.
Protein change: p.Val821Ala; replaces valine 821 with alanine.
Molecular consequence: missense variant.
Genome position (GRCh38, 1-based): chr1:216,246,932, A>G on the plus strand (T>C on the coding strand, the complement: USH2A is on the minus strand). VCF-style: chr1-216246932-A-G. GRCh37 (hg19) VCF-style: chr1-216420274-A-G.
Other names: c.2462T>C, p.Val821Ala (NM_007123.6); short protein forms V821A.
Identifiers: ClinVar variation 1981684 (VCV001981684.2), dbSNP rs757681199, ClinGen allele CA1396225.

ClinVar aggregate classification (germline): Uncertain significance. Review status: criteria provided, multiple submitters, no conflicts (2 of 4 stars). 2 submissions from 2 submitters: Uncertain significance (2). Last evaluated 2023-08-02.

Allele frequency attached by ClinVar (database versions not stated): ExAC 0.00001.
gnomAD v4.1: 1 of 1,614,090 alleles (0.000062%); highest among the groups gnomAD compares: East Asian, 0.0022%; no homozygotes.

Submissions (2):

Blueprint Genetics
Classification: Uncertain significance. Last evaluated: 2023-08-02. Review status: criteria provided, single submitter. Criteria: ACMG Guidelines, 2015. Collection method: clinical testing. Allele origin: germline.

Labcorp Genetics (formerly Invitae), Labcorp
Classification: Uncertain significance. Last evaluated: 2022-03-29. Review status: criteria provided, single submitter. Criteria: Invitae Variant Classification Sherloc (09022015). Collection method: clinical testing. Allele origin: germline.
Comment: This sequence change replaces valine, which is neutral and non-polar, with alanine, which is neutral and non-polar, at codon 821 of the USH2A protein (p.Val821Ala). This variant is present in population databases (rs757681199, gnomAD 0.006%). This variant has not been reported in the literature in individuals affected with USH2A-related conditions. Algorithms developed to predict the effect of missense changes on protein structure and function (SIFT, PolyPhen-2, Align-GVGD) all suggest that this variant is likely to be disruptive. In summary, the available evidence is currently insufficient to determine the role of this variant in disease. Therefore, it has been classified as a Variant of Uncertain Significance.